The following is an entry in ClinVar:

NM_002764.4(PRPS1):c.700G>A (p.Asp234Asn)

Gene: PRPS1 (phosphoribosyl pyrophosphate synthetase 1; plus strand). Cytogenetic location: Xq22.3.
Variant type: single nucleotide variant.
Coding change: c.700G>A on transcript NM_002764.4 (MANE Select); coding-DNA position 700, G replaced by A.
Protein change: p.Asp234Asn; replaces aspartic acid 234 with asparagine.
Molecular consequence: missense variant.
Genome position (GRCh38, 1-based): chrX:107,645,346, G>A. VCF-style: chrX-107645346-G-A. GRCh37 (hg19) VCF-style: chrX-106888576-G-A.
Other names: c.88G>A, p.Asp30Asn (NM_001204402.2); short protein forms D234N, D30N.
Identifiers: ClinVar variation 3339058 (VCV003339058.1).

ClinVar aggregate classification (germline): Uncertain significance (1 of 4 stars; one submission).

Submission:

Women's Health and Genetics/Laboratory Corporation of America, LabCorp
Classification: Uncertain significance. Last evaluated: 2024-07-08. Review status: criteria provided, single submitter. Criteria: LabCorp Variant Classification Summary - May 2015. Collection method: clinical testing. Allele origin: germline.
Comment: Variant summary: PRPS1 c.700G>A (p.Asp234Asn) results in a conservative amino acid change located in the Phosphoribosyltransferase domain (IPR000836) of the encoded protein sequence. Three of five in-silico tools predict a benign effect of the variant on protein function. The variant was absent in 183348 control chromosomes. The available data on variant occurrences in the general population are insufficient to allow any conclusion about variant significance. To our knowledge, no occurrence of c.700G>A in individuals affected with Arts Syndrome and no experimental evidence demonstrating its impact on protein function have been reported. No submitters have cited clinical-significance assessments for this variant to ClinVar. Based on the evidence outlined above, the variant was classified as uncertain significance.